The following is an entry in ClinVar:

ClinVar aggregate classification (germline): Conflicting classifications of pathogenicity. Review status: criteria provided, conflicting classifications (1 of 4 stars). 4 submissions from 4 submitters: Uncertain significance (2); Likely benign (2). Last evaluated 2026-01-17.

Conditions:
Familial thoracic aortic aneurysm and aortic dissection (TAAD). Also called: Thoracic aortic aneurysms and dissections. Identifiers: Orphanet 91387, MedGen C4707243, MONDO:0019625.
Congenital contractural arachnodactyly (CCA). Also called: BEALS SYNDROME; Beals-Hecht syndrome; Arthrogryposis, distal, type 9. Identifiers: Orphanet 115, MedGen C0220668, MONDO:0007363, OMIM 121050.

Allele frequency attached by ClinVar (database versions not stated): gnomAD 0.00001 and 0.00002; ExAC 0.00009.
gnomAD v4.1: 47 of 1,613,794 alleles (0.0029%); highest among the groups gnomAD compares: South Asian, 0.044%; 1 homozygote.

Submissions (4):

Labcorp Genetics (formerly Invitae), Labcorp
Classification: Likely benign for Congenital contractural arachnodactyly. Last evaluated: 2026-01-17. Review status: criteria provided, single submitter. Criteria: Invitae Variant Classification Sherloc (09022015). Collection method: clinical testing. Allele origin: germline.

Blueprint Genetics
Classification: Likely benign. Last evaluated: 2024-08-12. Review status: criteria provided, single submitter. Criteria: ACMG Guidelines, 2015. Collection method: clinical testing. Allele origin: germline.

GeneDx
Classification: Uncertain significance. Last evaluated: 2024-06-23. Review status: criteria provided, single submitter. Criteria: GeneDx Variant Classification Process June 2021. Collection method: clinical testing. Allele origin: germline. Affected: yes.
Comment: Has not been previously published as pathogenic or benign to our knowledge; Although located in a calcium-binding EGF-like domain of the FBN2 gene, it does not substitute or introduce a cysteine residue (PMID: 19006240, 18767143); In silico analysis supports that this missense variant has a deleterious effect on protein structure/function; This variant is associated with the following publications: (PMID: 19006240, 18767143)

Ambry Genetics
Classification: Uncertain significance for Familial thoracic aortic aneurysm and aortic dissection. Last evaluated: 2021-09-03. Review status: criteria provided, single submitter. Criteria: Ambry Variant Classification Scheme 2023. Collection method: clinical testing. Allele origin: germline.
Comment: The p.T1428N variant (also known as c.4283C>A), located in coding exon 33 of the FBN2 gene, results from a C to A substitution at nucleotide position 4283. The threonine at codon 1428 is replaced by asparagine, an amino acid with similar properties. This amino acid position is well conserved in available vertebrate species. In addition, the in silico prediction for this alteration is inconclusive. Since supporting evidence is limited at this time, the clinical significance of this alteration remains unclear.

NM_001999.4(FBN2):c.4283C>A (p.Thr1428Asn)

Gene: FBN2 (fibrillin 2; minus strand). Cytogenetic location: 5q23.3.
Variant type: single nucleotide variant.
Coding change: c.4283C>A on transcript NM_001999.4 (MANE Select); coding-DNA position 4283, C replaced by A.
Protein change: p.Thr1428Asn; replaces threonine 1428 with asparagine.
Molecular consequence: missense variant.
Genome position (GRCh38, 1-based): chr5:128,330,635, G>T on the plus strand (C>A on the coding strand, the complement: FBN2 is on the minus strand). VCF-style: chr5-128330635-G-T. GRCh37 (hg19) VCF-style: chr5-127666327-G-T.
Other names: short protein forms T1428N.
Identifiers: ClinVar variation 1154576 (VCV001154576.15), dbSNP rs367961012, ClinGen allele CA3395014.